The following is an entry in ClinVar:

NM_002618.4(PEX13):c.1042G>A (p.Val348Ile)

Gene: PEX13 (peroxisomal biogenesis factor 13; plus strand). Cytogenetic location: 2p15.
Variant type: single nucleotide variant.
Coding change: c.1042G>A on transcript NM_002618.4 (MANE Select); coding-DNA position 1042, G replaced by A.
Protein change: p.Val348Ile; replaces valine 348 with isoleucine.
Molecular consequence: missense variant.
Genome position (GRCh38, 1-based): chr2:61,048,600, G>A. VCF-style: chr2-61048600-G-A. GRCh37 (hg19) VCF-style: chr2-61275735-G-A.
Other names: short protein forms V348I.
Identifiers: ClinVar variation 2106103 (VCV002106103.1), dbSNP rs1680746855, ClinGen allele CA346949883.

ClinVar aggregate classification (germline): Uncertain significance (1 of 4 stars; one submission).

Conditions:
Peroxisome biogenesis disorder 11A (Zellweger). Also called: Peroxisome biogenesis disorder 11A. Identifiers: Orphanet 912, MedGen C3554000, MONDO:0013949, OMIM 614883.

Submission:

Labcorp Genetics (formerly Invitae), Labcorp
Classification: Uncertain significance for Peroxisome biogenesis disorder 11A (Zellweger). Last evaluated: 2022-03-04. Review status: criteria provided, single submitter. Criteria: Invitae Variant Classification Sherloc (09022015). Collection method: clinical testing. Allele origin: germline.
Comment: This sequence change replaces valine, which is neutral and non-polar, with isoleucine, which is neutral and non-polar, at codon 348 of the PEX13 protein (p.Val348Ile). This variant is not present in population databases (gnomAD no frequency). This variant has not been reported in the literature in individuals affected with PEX13-related conditions. Algorithms developed to predict the effect of missense changes on protein structure and function output the following: SIFT: "Tolerated"; PolyPhen-2: "Benign"; Align-GVGD: "Class C0". The isoleucine amino acid residue is found in multiple mammalian species, which suggests that this missense change does not adversely affect protein function. In summary, the available evidence is currently insufficient to determine the role of this variant in disease. Therefore, it has been classified as a Variant of Uncertain Significance.